The following is an entry in ClinVar:

ClinVar aggregate classification (germline): Pathogenic (1 of 4 stars; one submission).

Conditions:
Cohen syndrome (COH1). Also called: PEPPER SYNDROME; Cutis verticis gyrata, retinitis pigmentosa, and sensorineural deafness. Identifiers: Orphanet 193, MedGen C0265223, MONDO:0008999, OMIM 216550.

Submission:

Labcorp Genetics (formerly Invitae), Labcorp
Classification: Pathogenic for Cohen syndrome. Last evaluated: 2024-01-11. Review status: criteria provided, single submitter. Criteria: Invitae Variant Classification Sherloc (09022015). Collection method: clinical testing. Allele origin: germline.
Comment: This sequence change creates a premature translational stop signal (p.Asp587Valfs*11) in the VPS13B gene. It is expected to result in an absent or disrupted protein product. Loss-of-function variants in VPS13B are known to be pathogenic (PMID: 15141358, 16648375, 20461111). This variant is not present in population databases (gnomAD no frequency). This variant has not been reported in the literature in individuals affected with VPS13B-related conditions. ClinVar contains an entry for this variant (Variation ID: 1076170). For these reasons, this variant has been classified as Pathogenic.

Literature cited by the submitters: PubMed 15141358; PubMed 16648375; PubMed 20461111.

NM_152564.5(VPS13B):c.1755_1759dup (p.Asp587fs)

Gene: VPS13B (vacuolar protein sorting 13 homolog B; plus strand). Cytogenetic location: 8q22.2.
Variant type: Duplication.
Coding change: c.1755_1759dup on transcript NM_152564.5 (MANE Select); coding-DNA positions 1755 to 1759, 5 bases duplicated (TTTGG; older notation c.1755_1759dupTTTGG).
Protein change: p.Asp587fs; shifts the reading frame from aspartic acid 587.
Molecular consequence: frameshift variant.
Genome position (GRCh38, 1-based): chr8:99,143,077-99,143,081, TTTGG duplicated; duplicating any 5 consecutive bases within chr8:99,143,076-99,143,081 gives the same sequence; the c. name uses the placement nearest the transcript's 3' end. VCF-style (leftmost placement, unchanged base first): chr8-99143075-C-CGTTTG. GRCh37 (hg19) VCF-style: chr8-100155303-C-CGTTTG.
Other names: c.1755_1759dup, p.Asp587fs (NM_015243.3, NM_017890.5); short protein forms D587fs.
Identifiers: ClinVar variation 1076170 (VCV001076170.7), dbSNP rs1810518393, ClinGen allele CA1805600138.